The following is an entry in ClinVar:

NM_025152.3(NUBPL):c.47G>C (p.Arg16Pro)

Gene: NUBPL (NUBP iron-sulfur cluster assembly factor, mitochondrial; plus strand). Cytogenetic location: 14q12.
Variant type: single nucleotide variant.
Coding change: c.47G>C on transcript NM_025152.3 (MANE Select); coding-DNA position 47, G replaced by C.
Protein change: p.Arg16Pro; replaces arginine 16 with proline.
Molecular consequence: missense variant. On other transcripts: non-coding transcript variant (1).
Genome position (GRCh38, 1-based): chr14:31,561,486, G>C. VCF-style: chr14-31561486-G-C. GRCh37 (hg19) VCF-style: chr14-32030692-G-C.
Other names: short protein forms R16P.
Identifiers: ClinVar variation 3781242 (VCV003781242.1).

ClinVar aggregate classification (germline): Uncertain significance (1 of 4 stars; one submission).

gnomAD v4.1: 13 of 1,403,480 alleles (0.00093%); highest among the groups gnomAD compares: South Asian, 0.022%; no homozygotes.

Submission:

GeneDx
Classification: Uncertain significance. Last evaluated: 2024-10-16. Review status: criteria provided, single submitter. Criteria: GeneDx Variant Classification Process June 2021. Collection method: clinical testing. Allele origin: germline. Affected: yes.
Comment: In silico analysis indicates that this missense variant does not alter protein structure/function; Has not been previously published as pathogenic or benign to our knowledge